The following is an entry in ClinVar:

ClinVar aggregate classification (germline): Uncertain significance (1 of 4 stars; one submission).

Conditions:
Niemann-Pick disease, type C1. Also called: NIEMANN-PICK DISEASE, VARIANT TYPE C1; NEUROVISCERAL STORAGE DISEASE WITH VERTICAL SUPRANUCLEAR OPHTHALMOPLEGIA; NIEMANN-PICK DISEASE WITH CHOLESTEROL ESTERIFICATION BLOCK; NIEMANN-PICK DISEASE WITHOUT SPHINGOMYELINASE DEFICIENCY; NIEMANN-PICK DISEASE, CHRONIC NEURONOPATHIC FORM. Identifiers: Orphanet 646, MedGen C3179455, MONDO:0009757, OMIM 257220.

Submission:

Labcorp Genetics (formerly Invitae), Labcorp
Classification: Uncertain significance for Niemann-Pick disease, type C1. Last evaluated: 2022-04-16. Review status: criteria provided, single submitter. Criteria: Invitae Variant Classification Sherloc (09022015). Collection method: clinical testing. Allele origin: germline.
Comment: This sequence change replaces proline, which is neutral and non-polar, with threonine, which is neutral and polar, at codon 733 of the NPC1 protein (p.Pro733Thr). This variant is not present in population databases (gnomAD no frequency). This variant has not been reported in the literature in individuals affected with NPC1-related conditions. Advanced modeling of protein sequence and biophysical properties (such as structural, functional, and spatial information, amino acid conservation, physicochemical variation, residue mobility, and thermodynamic stability) performed at Invitae indicates that this missense variant is expected to disrupt NPC1 protein function. In summary, the available evidence is currently insufficient to determine the role of this variant in disease. Therefore, it has been classified as a Variant of Uncertain Significance.

NM_000271.5(NPC1):c.2197C>A (p.Pro733Thr)

Gene: NPC1 (NPC intracellular cholesterol transporter 1; minus strand). Cytogenetic location: 18q11.2.
Variant type: single nucleotide variant.
Coding change: c.2197C>A on transcript NM_000271.5 (MANE Select); coding-DNA position 2197, C replaced by A.
Protein change: p.Pro733Thr; replaces proline 733 with threonine.
Molecular consequence: missense variant.
Genome position (GRCh38, 1-based): chr18:23,543,503, G>T on the plus strand (C>A on the coding strand, the complement: NPC1 is on the minus strand). VCF-style: chr18-23543503-G-T. GRCh37 (hg19) VCF-style: chr18-21123467-G-T.
Other names: short protein forms P733T.
Identifiers: ClinVar variation 1902128 (VCV001902128.2), dbSNP rs2511229803, ClinGen allele CA401770829.
Genomic context (GRCh38, chr18:23,543,503, plus strand): 5'-AAGCATAATTACCTAAGAAAAATGCTACAGTCTCAGAAAAGGATGACAGGAACATACTGG[G>T]AGCCACTTCTCCTAGGACCCTGCCCAGCTGCTGATCCAGGGTTTCCCCTTGAAGACGTTC-3'
Protein context (NP_000262.2, residues 723-743): QLGRVLGEVA[Pro733Thr]SMFLSSFSET